The following is an entry in ClinVar:

NM_014738.6(TMEM94):c.137C>T (p.Thr46Met)

Gene: TMEM94 (transmembrane protein 94; plus strand). Cytogenetic location: 17q25.1.
Variant type: single nucleotide variant.
Coding change: c.137C>T on transcript NM_014738.6 (MANE Select); coding-DNA position 137, C replaced by T.
Protein change: p.Thr46Met; replaces threonine 46 with methionine.
Molecular consequence: missense variant.
Genome position (GRCh38, 1-based): chr17:75,485,540, C>T. VCF-style: chr17-75485540-C-T. GRCh37 (hg19) VCF-style: chr17-73481621-C-T.
Other names: c.167C>T, p.Thr56Met (NM_001321148.2, NM_001351203.2); c.137C>T, p.Thr46Met (NM_001321149.2, NM_001351202.2); c.137C>T (NM_014738.4); short protein forms T46M, T56M.
Identifiers: ClinVar variation 1800904 (VCV001800904.4), dbSNP rs753972557, ClinGen allele CA8761334.
Genomic context (GRCh38, chr17:75,485,540, plus strand): 5'-TGAAGGAGCAGCTGGAGGCAGTGCTGGAAGGACATCTCAGGGAGCGGAAGAAGTGTCTGA[C>T]GTGGAAGGTGAAGCTTCTTCTCGGGGCTACCAGGGCCTGGCTGGGATGGCAGGGAAGTGT-3'
Protein context (NP_055553.3, residues 36-56): GHLRERKKCL[Thr46Met]WKEVWRSSFL

ClinVar aggregate classification (germline): Uncertain significance. Review status: criteria provided, multiple submitters, no conflicts (2 of 4 stars). 2 submissions from 2 submitters: Uncertain significance (2). Last evaluated 2024-03-25.

Conditions:
Inborn genetic diseases. Identifiers: MedGen C0950123, MeSH D030342.

Allele frequency attached by ClinVar (database versions not stated): gnomAD 0.00003; TOPMed 0.00003; ExAC 0.00002.
gnomAD v4.1: 27 of 1,614,012 alleles (0.0017%); highest among the groups gnomAD compares: Admixed American, 0.0067%; no homozygotes.

Submissions (2):

GeneDx
Classification: Uncertain significance. Last evaluated: 2024-03-25. Review status: criteria provided, single submitter. Criteria: GeneDx Variant Classification Process June 2021. Collection method: clinical testing. Allele origin: germline.
Comment: In silico analysis supports that this missense variant does not alter protein structure/function; Has not been previously published as pathogenic or benign to our knowledge

Ambry Genetics
Classification: Uncertain significance for Inborn genetic diseases. Last evaluated: 2023-02-15. Review status: criteria provided, single submitter. Criteria: Ambry Variant Classification Scheme 2023. Collection method: clinical testing. Allele origin: germline.